The following is an entry in ClinVar:

ClinVar aggregate classification (germline): Likely pathogenic. Review status: criteria provided, multiple submitters, no conflicts (2 of 4 stars). 2 submissions from 2 submitters: Likely pathogenic (2). Last evaluated 2025-02-12.

Conditions:
Glycine encephalopathy. Also called: Nonketotic hyperglycinemia; Non-ketotic hyperglycinemia. Identifiers: Orphanet 407, MedGen C0751748, MONDO:0011612, HP:0008288.

Allele frequency attached by ClinVar (database versions not stated): gnomAD exomes below 0.00001.
gnomAD v4.1: 2 of 1,613,986 alleles (0.00012%); highest among the groups gnomAD compares: South Asian, 0.0011%; no homozygotes.

Submissions (2):

GeneDx
Classification: Likely pathogenic. Last evaluated: 2025-02-12. Review status: criteria provided, single submitter. Criteria: GeneDx Variant Classification Process June 2021. Collection method: clinical testing. Allele origin: germline. Affected: yes.
Comment: Nonsense variant predicted to result in protein truncation or nonsense-mediated decay in a gene for which loss-of-function is a known mechanism of disease; Not observed at significant frequency in large population cohorts (gnomAD); Has not been previously published as pathogenic or benign to our knowledge; This variant is associated with the following publications: (PMID: 27535533)

Rady Children's Institute for Genomic Medicine, Rady Children's Hospital San Diego
Classification: Likely pathogenic for GLYCINE ENCEPHALOPATHY. Review status: criteria provided, single submitter. Criteria: ACMG Guidelines, 2015. Collection method: clinical testing. Allele origin: germline. Affected: yes.
Comment: This nonsense variant found in exon 23 of 25 is predicted to result in loss of normal protein function through either protein truncation or nonsense-mediated mRNA decay (NMD). This variant has not been previously reported or functionally characterized in the literature to our knowledge. However, loss-of-function variation is an established mechanism of disease for GLDC-related glycine encephalopathy (PMID: 20301531). It is absent from the gnomAD population database and thus is presumed to be rare. Based on the available evidence, the c.2690G>A (p.Trp897Ter) variant is classified as Likely Pathogenic.

NM_000170.3(GLDC):c.2690G>A (p.Trp897Ter)

Gene: GLDC (glycine decarboxylase; minus strand). Cytogenetic location: 9p24.1.
Variant type: single nucleotide variant.
Coding change: c.2690G>A on transcript NM_000170.3 (MANE Select); coding-DNA position 2690, G replaced by A.
Protein change: p.Trp897Ter; replaces tryptophan 897 with a stop codon.
Molecular consequence: nonsense.
Genome position (GRCh38, 1-based): chr9:6,536,212, C>T on the plus strand (G>A on the coding strand, the complement: GLDC is on the minus strand). VCF-style: chr9-6536212-C-T. GRCh37 (hg19) VCF-style: chr9-6536212-C-T.
Other names: short protein forms W897*.
Identifiers: ClinVar variation 2584458 (VCV002584458.2), dbSNP rs2489011541, ClinGen allele CA372882949.